The following is an entry in ClinVar:

ClinVar aggregate classification (germline): Conflicting classifications of pathogenicity. Review status: criteria provided, conflicting classifications (1 of 4 stars). 2 submissions from 2 submitters: Uncertain significance (1); Likely benign (1). Last evaluated 2025-01-21.

Conditions:
Neurofibromatosis, type 1 (NF1). Also called: VON RECKLINGHAUSEN DISEASE; NEUROFIBROMATOSIS, TYPE I, SOMATIC; Peripheral type neurofibromatosis; Neurofibromatosis, type I. Identifiers: Orphanet 636, MedGen C0027831, MONDO:0018975, OMIM 162200. Disease mechanism: loss of function.
Cardiovascular phenotype. Identifiers: MedGen CN230736.
Hereditary cancer-predisposing syndrome. Also called: Hereditary Cancer Syndrome; Hereditary neoplastic syndrome; Tumor predisposition; Neoplastic Syndromes, Hereditary. Identifiers: Orphanet 140162, MedGen C0027672, MeSH D009386, MONDO:0015356.

Submissions (2):

Labcorp Genetics (formerly Invitae), Labcorp
Classification: Likely benign for Neurofibromatosis, type 1. Last evaluated: 2025-01-21. Review status: criteria provided, single submitter. Criteria: Invitae Variant Classification Sherloc (09022015). Collection method: clinical testing. Allele origin: germline.

Ambry Genetics
Classification: Uncertain significance for Cardiovascular phenotype; Hereditary cancer-predisposing syndrome. Last evaluated: 2023-08-08. Review status: criteria provided, single submitter. Criteria: Ambry Variant Classification Scheme 2023. Collection method: clinical testing. Allele origin: germline.
Comment: The c.6757-5A>G intronic variant results from an A to G substitution 5 nucleotides upstream from coding exon 45 in the NF1 gene. This nucleotide position is highly conserved in available vertebrate species. In silico splice site analysis predicts that this alteration will not have any significant effect on splicing. Since supporting evidence is limited at this time, the clinical significance of this alteration remains unclear.

NM_001042492.3(NF1):c.6820-5A>G

Gene: NF1 (neurofibromin 1; plus strand). Cytogenetic location: 17q11.2.
Variant type: single nucleotide variant.
Coding change: c.6820-5A>G on transcript NM_001042492.3 (MANE Select); 5 bases into the intron before coding-DNA position 6820, A replaced by G.
Molecular consequence: intron variant.
Genome position (GRCh38, 1-based): chr17:31,338,699, A>G. VCF-style: chr17-31338699-A-G. GRCh37 (hg19) VCF-style: chr17-29665717-A-G.
Other names: c.6757-5A>G (NM_000267.4).
Identifiers: ClinVar variation 457807 (VCV000457807.8), dbSNP rs1555535022, ClinGen allele CA658658590.